The following is an entry in ClinVar:

ClinVar aggregate classification (germline): Uncertain significance (1 of 4 stars; one submission).

Conditions:
Multiple congenital anomalies-hypotonia-seizures syndrome 1 (MCAHS1). Also called: GLYCOSYLPHOSPHATIDYLINOSITOL BIOSYNTHESIS DEFECT 3; PIGN-CDG; Congenital disorder of glycosylation due to PIGN deficiency. Identifiers: Orphanet 280633, MedGen C3279775, MONDO:0013563, OMIM 614080.

Allele frequency attached by ClinVar (database versions not stated): TOPMed below 0.00001; gnomAD exomes 0.00002.
gnomAD v4.1: 21 of 1,550,468 alleles (0.0014%); highest among the groups gnomAD compares: Non-Finnish European, 0.0018%; no homozygotes.

Submission:

Labcorp Genetics (formerly Invitae), Labcorp
Classification: Uncertain significance for Multiple congenital anomalies-hypotonia-seizures syndrome 1. Last evaluated: 2022-08-23. Review status: criteria provided, single submitter. Criteria: Invitae Variant Classification Sherloc (09022015). Collection method: clinical testing. Allele origin: germline.
Comment: This sequence change falls in intron 17 of the PIGN gene. It does not directly change the encoded amino acid sequence of the PIGN protein. This variant is present in population databases (no rsID available, gnomAD 0.001%). This variant has not been reported in the literature in individuals affected with PIGN-related conditions. ClinVar contains an entry for this variant (Variation ID: 1385641). Algorithms developed to predict the effect of sequence changes on RNA splicing suggest that this variant may create or strengthen a splice site. In summary, the available evidence is currently insufficient to determine the role of this variant in disease. Therefore, it has been classified as a Variant of Uncertain Significance.

NM_176787.5(PIGN):c.1575-4A>G

Gene: PIGN (phosphatidylinositol glycan anchor biosynthesis class N; minus strand). Cytogenetic location: 18q21.33.
Variant type: single nucleotide variant.
Coding change: c.1575-4A>G on transcript NM_176787.5 (MANE Select); 4 bases into the intron before coding-DNA position 1575, A replaced by G.
Molecular consequence: intron variant.
Genome position (GRCh38, 1-based): chr18:62,107,089, T>C on the plus strand (A>G on the coding strand, the complement: PIGN is on the minus strand). VCF-style: chr18-62107089-T-C. GRCh37 (hg19) VCF-style: chr18-59774322-T-C.
Other names: c.1575-4A>G (NM_012327.6).
Identifiers: ClinVar variation 1385641 (VCV001385641.5), dbSNP rs1359611690, ClinGen allele CA630108285.